The following is an entry in ClinVar:

NM_019066.5(MAGEL2):c.3308C>T (p.Ser1103Phe)

Gene: MAGEL2 (MAGE family member L2; minus strand). Cytogenetic location: 15q11.2.
Variant type: single nucleotide variant.
Coding change: c.3308C>T on transcript NM_019066.5 (MANE Select); coding-DNA position 3308, C replaced by T.
Protein change: p.Ser1103Phe; replaces serine 1103 with phenylalanine.
Molecular consequence: missense variant.
Genome position (GRCh38, 1-based): chr15:23,644,435, G>A on the plus strand (C>T on the coding strand, the complement: MAGEL2 is on the minus strand). VCF-style: chr15-23644435-G-A. GRCh37 (hg19) VCF-style: chr15-23889582-G-A.
Other names: short protein forms S1103F.
Identifiers: ClinVar variation 2888927 (VCV002888927.3), dbSNP rs1273877197, ClinGen allele CA391323612.

ClinVar aggregate classification (germline): Uncertain significance (1 of 4 stars; one submission).

Allele frequency attached by ClinVar (database versions not stated): gnomAD exomes below 0.00001.

Submission:

Labcorp Genetics (formerly Invitae), Labcorp
Classification: Uncertain significance. Last evaluated: 2023-11-04. Review status: criteria provided, single submitter. Criteria: Invitae Variant Classification Sherloc (09022015). Collection method: clinical testing. Allele origin: germline.
Comment: This sequence change replaces serine, which is neutral and polar, with phenylalanine, which is neutral and non-polar, at codon 1103 of the MAGEL2 protein (p.Ser1103Phe). This variant is not present in population databases (gnomAD no frequency). This variant has not been reported in the literature in individuals affected with MAGEL2-related conditions. Advanced modeling of protein sequence and biophysical properties (such as structural, functional, and spatial information, amino acid conservation, physicochemical variation, residue mobility, and thermodynamic stability) performed at Invitae indicates that this missense variant is not expected to disrupt MAGEL2 protein function with a negative predictive value of 80%. In summary, the available evidence is currently insufficient to determine the role of this variant in disease. Therefore, it has been classified as a Variant of Uncertain Significance.